The following is an entry in ClinVar:

ClinVar aggregate classification (germline): Uncertain significance (1 of 4 stars; one submission).

Submission:

GeneDx
Classification: Uncertain significance. Last evaluated: 2023-09-05. Review status: criteria provided, single submitter. Criteria: GeneDx Variant Classification Process June 2021. Collection method: clinical testing. Allele origin: germline. Affected: yes.
Comment: Not observed at significant frequency in large population cohorts (gnomAD); In silico analysis supports that this missense variant has a deleterious effect on protein structure/function; Has not been previously published as pathogenic or benign to our knowledge

NM_001005273.3(CHD3):c.4372T>G (p.Leu1458Val)

Gene: CHD3 (chromodomain helicase DNA binding protein 3; plus strand). Cytogenetic location: 17p13.1.
Variant type: single nucleotide variant.
Coding change: c.4372T>G on transcript NM_001005273.3 (MANE Select); coding-DNA position 4372, T replaced by G.
Protein change: p.Leu1458Val; replaces leucine 1458 with valine.
Molecular consequence: missense variant.
Genome position (GRCh38, 1-based): chr17:7,906,566, T>G. VCF-style: chr17-7906566-T-G. GRCh37 (hg19) VCF-style: chr17-7809884-T-G.
Other names: c.4549T>G, p.Leu1517Val (NM_001005271.3); c.4372T>G, p.Leu1458Val (NM_005852.4); short protein forms L1458V, L1517V.
Identifiers: ClinVar variation 2579390 (VCV002579390.1), dbSNP rs1970982254, ClinGen allele CA397945972.